The following is an entry in ClinVar:

NM_000836.4(GRIN2D):c.157G>A (p.Val53Met)

Genes: GRIN2D (glutamate ionotropic receptor NMDA type subunit 2D; plus strand), LOC130064855 (ATAC-STARR-seq lymphoblastoid silent region 10879; plus strand). Cytogenetic location: 19q13.33.
Variant type: single nucleotide variant.
Coding change: c.157G>A on transcript NM_000836.4 (MANE Select); coding-DNA position 157, G replaced by A.
Protein change: p.Val53Met; replaces valine 53 with methionine.
Molecular consequence: missense variant.
Genome position (GRCh38, 1-based): chr19:48,398,549, G>A. VCF-style: chr19-48398549-G-A. GRCh37 (hg19) VCF-style: chr19-48901806-G-A.
Other names: short protein forms V53M.
Identifiers: ClinVar variation 3251287 (VCV003251287.1), dbSNP rs2516061966.
Genomic context (GRCh38, chr19:48,398,549, plus strand): 5'-CCGGGGCCGGGCGGGGCCGGTGGGCCCGGCGGCGGCCTCGGCGGGGCGCGGCCGCTCAAC[G>A]TGGCGCTCGTGTTCTCGGGGCCCGCGTACGCGGCCGAGGCGGCACGCCTGGGCCCGGCCG-3'
Protein context (NP_000827.2, residues 43-63): GGLGGARPLN[Val53Met]ALVFSGPAYA

ClinVar aggregate classification (germline): Uncertain significance (1 of 4 stars; one submission).

gnomAD v4.1: 1 of 1,151,218 alleles (0.000087%); no homozygotes.

Submission:

Women's Health and Genetics/Laboratory Corporation of America, LabCorp
Classification: Uncertain significance. Last evaluated: 2024-04-15. Review status: criteria provided, single submitter. Criteria: LabCorp Variant Classification Summary - May 2015. Collection method: clinical testing. Allele origin: germline.
Comment: Variant summary: GRIN2D c.157G>A (p.Val53Met) results in a conservative amino acid change in the encoded protein sequence. Three of five in-silico tools predict a damaging effect of the variant on protein function. The variant was absent in 25670 control chromosomes. The available data on variant occurrences in the general population are insufficient to allow any conclusion about variant significance. To our knowledge, no occurrence of c.157G>A in individuals affected with Epileptic Encephalopathy, Early Infantile, 46 and no experimental evidence demonstrating its impact on protein function have been reported. No submitters have cited clinical-significance assessments for this variant to ClinVar. Based on the evidence outlined above, the variant was classified as uncertain significance.